The following is an entry in ClinVar:

NM_182919.4(TICAM1):c.544A>G (p.Ile182Val)

Gene: TICAM1 (TIR domain containing adaptor molecule 1; minus strand). Cytogenetic location: 19p13.3.
Variant type: single nucleotide variant.
Coding change: c.544A>G on transcript NM_182919.4 (MANE Select); coding-DNA position 544, A replaced by G.
Protein change: p.Ile182Val; replaces isoleucine 182 with valine.
Molecular consequence: missense variant. On other transcripts: intron variant (1).
Genome position (GRCh38, 1-based): chr19:4,817,834, T>C on the plus strand (A>G on the coding strand, the complement: TICAM1 is on the minus strand). VCF-style: chr19-4817834-T-C. GRCh37 (hg19) VCF-style: chr19-4817846-T-C.
Other names: c.502A>G, p.Ile168Val (NM_001385678.1); c.409A>G, p.Ile137Val (NM_001385679.1); c.-71-28A>G (NM_001385680.1); short protein forms I168V, I137V, I182V.
Identifiers: ClinVar variation 1449846 (VCV001449846.8), dbSNP rs375230364, ClinGen allele CA9105332.

ClinVar aggregate classification (germline): Uncertain significance (1 of 4 stars; one submission).

Conditions:
Encephalopathy, acute, infection-induced (herpes-specific), susceptibility to, 6. Also called: Herpes simplex encephalitis, susceptibility to, 4. Identifiers: Orphanet 1930, MedGen C3553869, MONDO:0013921, OMIM 614850.

Allele frequency attached by ClinVar (database versions not stated): gnomAD 0.00002; TOPMed below 0.00001; ExAC 0.00001; ESP Exome Variant Server 0.00008; gnomAD exomes below 0.00001.
gnomAD v4.1: 4 of 1,608,602 alleles (0.00025%); highest among the groups gnomAD compares: African/African-American, 0.0053%; no homozygotes.

Submission:

Labcorp Genetics (formerly Invitae), Labcorp
Classification: Uncertain significance for Encephalopathy, acute, infection-induced (herpes-specific), susceptibility to, 6. Last evaluated: 2021-07-17. Review status: criteria provided, single submitter. Criteria: Invitae Variant Classification Sherloc (09022015). Collection method: clinical testing. Allele origin: germline.
Comment: This variant has not been reported in the literature in individuals affected with TICAM1-related conditions. Algorithms developed to predict the effect of missense changes on protein structure and function (SIFT, PolyPhen-2, Align-GVGD) all suggest that this variant is likely to be tolerated. This sequence change replaces isoleucine with valine at codon 182 of the TICAM1 protein (p.Ile182Val). The isoleucine residue is moderately conserved and there is a small physicochemical difference between isoleucine and valine. This variant is present in population databases (rs375230364, ExAC 0.01%). In summary, the available evidence is currently insufficient to determine the role of this variant in disease. Therefore, it has been classified as a Variant of Uncertain Significance.